The following is an entry in ClinVar:

NM_001130009.3(GEN1):c.499T>A (p.Tyr167Asn)

Gene: GEN1 (GEN1 Holliday junction 5' flap endonuclease; plus strand). Cytogenetic location: 2p24.2.
Variant type: single nucleotide variant.
Coding change: c.499T>A on transcript NM_001130009.3 (MANE Select); coding-DNA position 499, T replaced by A.
Protein change: p.Tyr167Asn; replaces tyrosine 167 with asparagine.
Molecular consequence: missense variant.
Genome position (GRCh38, 1-based): chr2:17,765,047, T>A. VCF-style: chr2-17765047-T-A. GRCh37 (hg19) VCF-style: chr2-17946314-T-A.
Other names: c.499T>A, p.Tyr167Asn (NM_182625.5); short protein forms Y167N.
Identifiers: ClinVar variation 4263000 (VCV004263000.1).

ClinVar aggregate classification (germline): Uncertain significance (1 of 4 stars; one submission).

Submission:

Ambry Genetics
Classification: Uncertain significance. Last evaluated: 2025-06-28. Review status: criteria provided, single submitter. Criteria: Ambry Variant Classification Scheme 2023. Collection method: clinical testing. Allele origin: germline.
Comment: The p.Y167N variant (also known as c.499T>A), located in coding exon 3 of the GEN1 gene, results from a T to A substitution at nucleotide position 499. The tyrosine at codon 167 is replaced by asparagine, an amino acid with dissimilar properties. This amino acid position is conserved. In addition, this alteration is predicted to be deleterious by in silico analysis. Based on the available evidence, the clinical significance of this variant remains unclear.